The following is an entry in ClinVar:

NM_024665.7(TBL1XR1):c.356G>A (p.Ser119Asn)

Gene: TBL1XR1 (TBL1X/Y related 1; minus strand). Cytogenetic location: 3q26.32.
Variant type: single nucleotide variant.
Coding change: c.356G>A on transcript NM_024665.7 (MANE Select); coding-DNA position 356, G replaced by A.
Protein change: p.Ser119Asn; replaces serine 119 with asparagine.
Molecular consequence: missense variant.
Genome position (GRCh38, 1-based): chr3:177,051,575, C>T on the plus strand (G>A on the coding strand, the complement: TBL1XR1 is on the minus strand). VCF-style: chr3-177051575-C-T. GRCh37 (hg19) VCF-style: chr3-176769363-C-T.
Other names: c.356G>A, p.Ser119Asn (NM_001321193.3, NM_001321194.3, NM_001374327.1 and 2 more transcripts); c.95G>A, p.Ser32Asn (NM_001321195.3, NM_001374330.1); short protein forms S119N, S32N.
Identifiers: ClinVar variation 1201030 (VCV001201030.32), dbSNP rs756214140, ClinGen allele CA2709995.
Genomic context (GRCh38, chr3:177,051,575, plus strand): 5'-TGTGCTCCATTCTCCTCCCCATTTGCTGTGTTTTCTCCATTTTTTGCAGATCCTTGTTGG[C>T]TGGCTGCAGCTGCGGCAGCTGCAGCAGCTGCTGCCTGTTGCTGTGCAAGCTTATCTCTAT-3'
Protein context (NP_078941.2, residues 109-129): AAAAAAAAAA[Ser119Asn]QQGSAKNGEN

ClinVar aggregate classification (germline): Conflicting classifications of pathogenicity. Review status: criteria provided, conflicting classifications (1 of 4 stars). 3 submissions from 3 submitters: Uncertain significance (1); Likely benign (2). Last evaluated 2025-12-08.

Conditions:
Pierpont syndrome (PRPTS). Identifiers: Orphanet 487825, MedGen C1865644, MONDO:0011213, OMIM 602342.

gnomAD v4.1: 18 of 1,613,686 alleles (0.0011%); highest among the groups gnomAD compares: Non-Finnish European, 0.0015%; no homozygotes.

Submissions (3):

Labcorp Genetics (formerly Invitae), Labcorp
Classification: Uncertain significance for Pierpont syndrome. Last evaluated: 2025-12-08. Review status: criteria provided, single submitter. Criteria: Invitae Variant Classification Sherloc (09022015). Collection method: clinical testing. Allele origin: germline.
Comment: This sequence change replaces serine, which is neutral and polar, with asparagine, which is neutral and polar, at codon 119 of the TBL1XR1 protein (p.Ser119Asn). This variant is present in population databases (rs756214140, gnomAD 0.004%). This variant has not been reported in the literature in individuals affected with TBL1XR1-related conditions. ClinVar contains an entry for this variant (Variation ID: 1201030). Invitae Evidence Modeling of protein sequence and biophysical properties (such as structural, functional, and spatial information, amino acid conservation, physicochemical variation, residue mobility, and thermodynamic stability) indicates that this missense variant is not expected to disrupt TBL1XR1 protein function with a negative predictive value of 95%. In summary, the available evidence is currently insufficient to determine the role of this variant in disease. Therefore, it has been classified as a Variant of Uncertain Significance.

CeGaT Center for Human Genetics Tuebingen
Classification: Likely benign. Last evaluated: 2022-07-01. Review status: criteria provided, single submitter. Criteria: CeGaT Center For Human Genetics Tuebingen Variant Classification Criteria Version 2. Collection method: clinical testing. Allele origin: germline. Affected: yes. Observed: 1 variant allele.
Comment: TBL1XR1: PP2, BP4, BS1

GeneDx
Classification: Likely benign. Last evaluated: 2020-07-28. Review status: criteria provided, single submitter. Criteria: GeneDx Variant Classification Process June 2021. Collection method: clinical testing. Allele origin: germline. Affected: yes.